The following is an entry in ClinVar:

ClinVar aggregate classification (germline): Uncertain significance (1 of 4 stars; one submission).

Conditions:
Inborn genetic diseases. Identifiers: MedGen C0950123, MeSH D030342.

Submission:

Ambry Genetics
Classification: Uncertain significance for Inborn genetic diseases. Last evaluated: 2025-11-25. Review status: criteria provided, single submitter. Criteria: Ambry Variant Classification Scheme 2023. Collection method: clinical testing. Allele origin: germline.
Comment: The p.G429S variant (also known as c.1285G>A), located in coding exon 8 of the MECOM gene, results from a G to A substitution at nucleotide position 1285. The glycine at codon 429 is replaced by serine, an amino acid with similar properties. This amino acid position is conserved. In addition, the in silico prediction for this alteration is inconclusive. Based on the available evidence, the clinical significance of this variant remains unclear.

NM_004991.4(MECOM):c.1285G>A (p.Gly429Ser)

Gene: MECOM (MDS1 and EVI1 complex locus; minus strand). Cytogenetic location: 3q26.2.
Variant type: single nucleotide variant.
Coding change: c.1285G>A on transcript NM_004991.4 (MANE Select); coding-DNA position 1285, G replaced by A.
Protein change: p.Gly429Ser; replaces glycine 429 with serine.
Molecular consequence: missense variant. On other transcripts: intron variant (2).
Genome position (GRCh38, 1-based): chr3:169,116,587, C>T on the plus strand (G>A on the coding strand, the complement: MECOM is on the minus strand). VCF-style: chr3-169116587-C-T. GRCh37 (hg19) VCF-style: chr3-168834375-C-T.
Other names: c.916G>A, p.Gly306Ser (NM_001105077.4); c.721G>A, p.Gly241Ser (NM_001105078.4, NM_001164000.2, NM_001205194.2 and 4 more transcripts); c.724G>A, p.Gly242Ser (NM_001163999.2, NM_001366467.2, NM_001366468.2 and 1 more transcripts); c.1285G>A, p.Gly429Ser (NM_001366466.2); c.1133-820G>A (NM_001366473.2); c.569-820G>A (NM_001366474.2); short protein forms G306S, G241S, G242S, G429S.
Identifiers: ClinVar variation 4624714 (VCV004624714.1).